The following is an entry in ClinVar:

NM_000322.5(PRPH2):c.433_434del (p.Asp145fs)

Gene: PRPH2 (peripherin 2; minus strand). Cytogenetic location: 6p21.1.
Variant type: Deletion.
Coding change: c.433_434del on transcript NM_000322.5 (MANE Select); coding-DNA positions 433 to 434, 2 bases deleted (GA; older notation c.433_434delGA).
Protein change: p.Asp145fs; shifts the reading frame from aspartic acid 145.
Molecular consequence: frameshift variant.
Genome position (GRCh38, 1-based): chr6:42,721,901-42,721,902, TC deleted on the plus strand (GA on the coding strand, the reverse complement: PRPH2 is on the minus strand); deleting any 2 consecutive bases within chr6:42,721,901-42,721,903 gives the same sequence; the c. name uses the placement nearest the transcript's 3' end. VCF-style (leftmost placement, unchanged base first): chr6-42721900-GTC-G. GRCh37 (hg19) VCF-style: chr6-42689638-GTC-G.
Other names: short protein forms D145fs.
Identifiers: ClinVar variation 1175279 (VCV001175279.1), dbSNP rs2152010940, ClinGen allele CA2499218284.

ClinVar aggregate classification (germline): Pathogenic (0 of 4 stars; one submission).

Submission:

Leiden Open Variation Database
Classification: Pathogenic. Last evaluated: 2021-04-06. Review status: no assertion criteria provided. Collection method: curation. Allele origin: germline. Affected: yes.
Comment: Curator: Global Variome, with Curator vacancy. Submitter to LOVD: Manon Peeters.

Literature cited by the submitters: PubMed 17504850.